The following is an entry in ClinVar:

NM_000179.3(MSH6):c.57T>A (p.Asp19Glu)

Gene: MSH6 (mutS homolog 6; plus strand). Cytogenetic location: 2p16.3.
Variant type: single nucleotide variant.
Coding change: c.57T>A on transcript NM_000179.3 (MANE Select); coding-DNA position 57, T replaced by A.
Protein change: p.Asp19Glu; replaces aspartic acid 19 with glutamic acid.
Molecular consequence: missense variant. On other transcripts: 5 prime UTR variant (1).
Genome position (GRCh38, 1-based): chr2:47,783,290, T>A. VCF-style: chr2-47783290-T-A. GRCh37 (hg19) VCF-style: chr2-48010429-T-A.
Other names: c.57T>A, p.Asp19Glu (NM_001281492.2); c.-680T>A (NM_001281493.2); short protein forms D19E.
Identifiers: ClinVar variation 825980 (VCV000825980.11), dbSNP rs752794296, ClinGen allele CA346734562.

ClinVar aggregate classification (germline): Conflicting classifications of pathogenicity. Review status: criteria provided, conflicting classifications (1 of 4 stars). 2 submissions from 2 submitters: Uncertain significance (1); Likely benign (1). Last evaluated 2026-08-12.

Conditions:
Hereditary nonpolyposis colorectal neoplasms. Identifiers: MedGen C0009405, MeSH D003123.
Hereditary cancer-predisposing syndrome. Also called: Tumor predisposition; Hereditary neoplastic syndrome; Neoplastic Syndromes, Hereditary; Hereditary Cancer Syndrome. Identifiers: Orphanet 140162, MedGen C0027672, MeSH D009386, MONDO:0015356.

Submissions (2):

Ambry Genetics
Classification: Likely benign for Hereditary cancer-predisposing syndrome. Last evaluated: 2026-08-12. Review status: criteria provided, single submitter. Criteria: Ambry Variant Classification Scheme 2023. Collection method: clinical testing. Allele origin: germline.

Labcorp Genetics (formerly Invitae), Labcorp
Classification: Uncertain significance for Hereditary nonpolyposis colorectal neoplasms. Last evaluated: 2022-07-12. Review status: criteria provided, single submitter. Criteria: Invitae Variant Classification Sherloc (09022015). Collection method: clinical testing. Allele origin: germline.
Comment: ClinVar contains an entry for this variant (Variation ID: 825980). This sequence change replaces aspartic acid, which is acidic and polar, with glutamic acid, which is acidic and polar, at codon 19 of the MSH6 protein (p.Asp19Glu). This variant is not present in population databases (gnomAD no frequency). This variant has not been reported in the literature in individuals affected with MSH6-related conditions. Advanced modeling of protein sequence and biophysical properties (such as structural, functional, and spatial information, amino acid conservation, physicochemical variation, residue mobility, and thermodynamic stability) performed at Invitae indicates that this missense variant is not expected to disrupt MSH6 protein function. In summary, the available evidence is currently insufficient to determine the role of this variant in disease. Therefore, it has been classified as a Variant of Uncertain Significance.